The following is an entry in ClinVar:

NM_003922.4(HERC1):c.10736A>G (p.Tyr3579Cys)

Gene: HERC1 (HECT and RLD domain containing E3 ubiquitin protein ligase family member 1; minus strand). Cytogenetic location: 15q22.31.
Variant type: single nucleotide variant.
Coding change: c.10736A>G on transcript NM_003922.4 (MANE Select); coding-DNA position 10736, A replaced by G.
Protein change: p.Tyr3579Cys; replaces tyrosine 3579 with cysteine.
Molecular consequence: missense variant.
Genome position (GRCh38, 1-based): chr15:63,649,736, T>C on the plus strand (A>G on the coding strand, the complement: HERC1 is on the minus strand). VCF-style: chr15-63649736-T-C. GRCh37 (hg19) VCF-style: chr15-63941935-T-C.
Other names: short protein forms Y3579C.
Identifiers: ClinVar variation 1806607 (VCV001806607.2), dbSNP rs200983374, ClinGen allele CA7604402.

ClinVar aggregate classification (germline): Uncertain significance. Review status: criteria provided, multiple submitters, no conflicts (2 of 4 stars). 2 submissions from 2 submitters: Uncertain significance (2). Last evaluated 2025-05-20.

Conditions:
Inborn genetic diseases. Identifiers: MedGen C0950123, MeSH D030342.

Allele frequency attached by ClinVar (database versions not stated): gnomAD exomes 0.00005; ExAC 0.00011; gnomAD 0.00021; ESP Exome Variant Server 0.00032.
gnomAD v4.1: 96 of 1,613,226 alleles (0.006%); highest among the groups gnomAD compares: African/African-American, 0.06%; no homozygotes.

Submissions (2):

Ambry Genetics
Classification: Uncertain significance for Inborn genetic diseases. Last evaluated: 2025-05-20. Review status: criteria provided, single submitter. Criteria: Ambry Variant Classification Scheme 2023. Collection method: clinical testing. Allele origin: germline.

GeneDx
Classification: Uncertain significance. Last evaluated: 2022-06-23. Review status: criteria provided, single submitter. Criteria: GeneDx Variant Classification Process June 2021. Collection method: clinical testing. Allele origin: germline. Affected: yes.
Comment: In silico analysis supports that this missense variant has a deleterious effect on protein structure/function; Has not been previously published as pathogenic or benign to our knowledge